The following is an entry in ClinVar:

ClinVar aggregate classification (germline): Conflicting classifications of pathogenicity. Review status: criteria provided, conflicting classifications (1 of 4 stars). 6 submissions from 6 submitters: Uncertain significance (5); Likely benign (1). Last evaluated 2026-05-26.

Conditions:
Gastrointestinal stromal tumor. Also called: Gastrointestinal stroma tumor; Gastrointestinal stromal tumor, somatic. Identifiers: Orphanet 44890, MedGen C0238198, MeSH D046152, MONDO:0011719, OMIM 606764, HP:0100723.
Hereditary cancer-predisposing syndrome. Also called: Tumor predisposition; Hereditary neoplastic syndrome; Neoplastic Syndromes, Hereditary; Hereditary Cancer Syndrome. Identifiers: Orphanet 140162, MedGen C0027672, MeSH D009386, MONDO:0015356.

Allele frequency attached by ClinVar (database versions not stated): TOPMed 0.00001.
gnomAD v4.1: 27 of 1,613,590 alleles (0.0017%); highest among the groups gnomAD compares: Non-Finnish European, 0.0022%; no homozygotes.

Submissions (6):

Myriad Genetics, Inc.
Classification: Likely benign for Gastrointestinal stromal tumor. Last evaluated: 2026-05-26. Review status: criteria provided, single submitter. Criteria: Myriad Autosomal Dominant, Autosomal Recessive and X-Linked Classification Criteria (2023). Collection method: clinical testing. Allele origin: unknown.
Comment: This variant is considered likely benign. This variant has been observed at a population frequency that is significantly greater than expected given the associated disease prevalence and penetrance.

Labcorp Genetics (formerly Invitae), Labcorp
Classification: Uncertain significance for Gastrointestinal stromal tumor. Last evaluated: 2025-12-09. Review status: criteria provided, single submitter. Criteria: Invitae Variant Classification Sherloc (09022015). Collection method: clinical testing. Allele origin: germline.
Comment: This sequence change replaces proline, which is neutral and non-polar, with alanine, which is neutral and non-polar, at codon 114 of the KIT protein (p.Pro114Ala). This variant is present in population databases (no rsID available, gnomAD 0.002%). This variant has not been reported in the literature in individuals affected with KIT-related conditions. ClinVar contains an entry for this variant (Variation ID: 458943). An algorithm developed to predict the effect of missense changes on protein structure and function (PolyPhen-2) suggests that this variant is likely to be tolerated. In summary, the available evidence is currently insufficient to determine the role of this variant in disease. Therefore, it has been classified as a Variant of Uncertain Significance.

GeneDx
Classification: Uncertain significance. Last evaluated: 2024-04-03. Review status: criteria provided, single submitter. Criteria: GeneDx Variant Classification Process June 2021. Collection method: clinical testing. Allele origin: germline. Affected: yes.
Comment: Not observed at significant frequency in large population cohorts (gnomAD); In silico analysis supports that this missense variant has a deleterious effect on protein structure/function; Has not been previously published as pathogenic or benign to our knowledge

Ambry Genetics
Classification: Uncertain significance for Hereditary cancer-predisposing syndrome. Last evaluated: 2023-09-20. Review status: criteria provided, single submitter. Criteria: Ambry Variant Classification Scheme 2023. Collection method: clinical testing. Allele origin: germline.
Comment: The p.P114A variant (also known as c.340C>G), located in coding exon 3 of the KIT gene, results from a C to G substitution at nucleotide position 340. The proline at codon 114 is replaced by alanine, an amino acid with highly similar properties. This amino acid position is conserved. In addition, the in silico prediction for this alteration is inconclusive. Since supporting evidence is limited at this time, the clinical significance of this alteration remains unclear.

Baylor Genetics
Classification: Uncertain significance for Gastrointestinal stromal tumor. Last evaluated: 2023-09-17. Review status: criteria provided, single submitter. Criteria: ACMG Guidelines, 2015. Collection method: clinical testing. Allele origin: unknown.

St. Jude Molecular Pathology, St. Jude Children's Research Hospital
Classification: Uncertain significance for Gastrointestinal stromal tumor. Last evaluated: 2023-03-15. Review status: criteria provided, single submitter. Criteria: St. Jude Assertion Criteria 2020. Collection method: clinical testing. Allele origin: germline.
Comment: The KIT c.340C>G (p.Pro114Ala) missense change has a maximum subpopulation frequency of 0.0018% in gnomAD v2.1.1. The in silico tool REVEL is inconclusive about a pathogenic or benign effect of this variant on protein function, and to our knowledge functional studies have not been performed. To our knowledge, this variant has not been reported in individuals with KIT-related gastrointestinal stromal tumor. In summary, the evidence currently available is insufficient to determine the clinical significance of this variant. It has therefore been classified as of uncertain significance.

NM_000222.3(KIT):c.340C>G (p.Pro114Ala)

Gene: KIT (KIT proto-oncogene, receptor tyrosine kinase; plus strand). Cytogenetic location: 4q12.
Variant type: single nucleotide variant.
Coding change: c.340C>G on transcript NM_000222.3 (MANE Select); coding-DNA position 340, C replaced by G.
Protein change: p.Pro114Ala; replaces proline 114 with alanine.
Molecular consequence: missense variant.
Genome position (GRCh38, 1-based): chr4:54,698,286, C>G. VCF-style: chr4-54698286-C-G. GRCh37 (hg19) VCF-style: chr4-55564452-C-G.
Other names: c.340C>G, p.Pro114Ala (NM_001093772.2, NM_001385284.1, NM_001385285.1 and 4 more transcripts); short protein forms P114A.
Identifiers: ClinVar variation 458943 (VCV000458943.16), dbSNP rs772836939, ClinGen allele CA96847748.